The following is an entry in ClinVar:

NM_001271.4(CHD2):c.692+5G>A

Gene: CHD2 (chromodomain helicase DNA binding protein 2; plus strand). Cytogenetic location: 15q26.1.
Variant type: single nucleotide variant.
Coding change: c.692+5G>A on transcript NM_001271.4 (MANE Select); 5 bases into the intron after coding-DNA position 692, G replaced by A.
Molecular consequence: intron variant.
Genome position (GRCh38, 1-based): chr15:92,939,723, G>A. VCF-style: chr15-92939723-G-A. GRCh37 (hg19) VCF-style: chr15-93482953-G-A.
Other names: c.692+5G>A (NM_001042572.3).
Identifiers: ClinVar variation 2838975 (VCV002838975.3), dbSNP rs183427060, ClinGen allele CA619615736.

ClinVar aggregate classification (germline): Uncertain significance (1 of 4 stars; one submission).

Conditions:
Developmental and epileptic encephalopathy 94 (DEE94). Also called: CHD2-Related Neurodevelopmental Disorders; Epileptic encephalopathy, childhood-onset. Identifiers: Orphanet 1942, Orphanet 2382, MedGen C3809278, MONDO:0014150, OMIM 615369.

gnomAD v4.1: 2 of 1,612,388 alleles (0.00012%); highest among the groups gnomAD compares: South Asian, 0.0011%; no homozygotes.

Submission:

Labcorp Genetics (formerly Invitae), Labcorp
Classification: Uncertain significance for Developmental and epileptic encephalopathy 94. Last evaluated: 2023-02-19. Review status: criteria provided, single submitter. Criteria: Invitae Variant Classification Sherloc (09022015). Collection method: clinical testing. Allele origin: germline.
Comment: Variants that disrupt the consensus splice site are a relatively common cause of aberrant splicing (PMID: 17576681, 9536098). Algorithms developed to predict the effect of sequence changes on RNA splicing suggest that this variant is not likely to affect RNA splicing. In summary, the available evidence is currently insufficient to determine the role of this variant in disease. Therefore, it has been classified as a Variant of Uncertain Significance. This variant has not been reported in the literature in individuals affected with CHD2-related conditions. This variant is present in population databases (no rsID available, gnomAD no frequency). This sequence change falls in intron 7 of the CHD2 gene. It does not directly change the encoded amino acid sequence of the CHD2 protein. It affects a nucleotide within the consensus splice site.

Literature cited by the submitters: PubMed 17576681; PubMed 9536098.